The following is an entry in ClinVar:

ClinVar aggregate classification (germline): Uncertain significance (1 of 4 stars; one submission).

gnomAD v4.1: 1 of 1,611,412 alleles (0.000062%); highest among the groups gnomAD compares: East Asian, 0.0022%; no homozygotes.

Submission:

Labcorp Genetics (formerly Invitae), Labcorp
Classification: Uncertain significance. Last evaluated: 2025-10-29. Review status: criteria provided, single submitter. Criteria: Invitae Variant Classification Sherloc (09022015). Collection method: clinical testing. Allele origin: germline.
Comment: This sequence change replaces proline, which is neutral and non-polar, with leucine, which is neutral and non-polar, at codon 144 of the TNFRSF6B protein (p.Pro144Leu). This variant is not present in population databases (gnomAD no frequency). This variant has not been reported in the literature in individuals affected with TNFRSF6B-related conditions. An algorithm developed to predict the effect of missense changes on protein structure and function (PolyPhen-2) suggests that this variant is likely to be disruptive. In summary, the available evidence is currently insufficient to determine the role of this variant in disease. Therefore, it has been classified as a Variant of Uncertain Significance.

NM_003823.4(TNFRSF6B):c.431C>T (p.Pro144Leu)

Genes: RTEL1-TNFRSF6B (RTEL1-TNFRSF6B readthrough (NMD candidate); plus strand), TNFRSF6B (TNF receptor superfamily member 6b; plus strand). Cytogenetic location: 20q13.33.
Variant type: single nucleotide variant.
Coding change: c.431C>T on transcript NM_003823.4 (MANE Select); coding-DNA position 431, C replaced by T.
Protein change: p.Pro144Leu; replaces proline 144 with leucine.
Molecular consequence: missense variant. On other transcripts: non-coding transcript variant (1).
Genome position (GRCh38, 1-based): chr20:63,697,334, C>T. VCF-style: chr20-63697334-C-T. GRCh37 (hg19) VCF-style: chr20-62328687-C-T.
Other names: short protein forms P144L.
Identifiers: ClinVar variation 4769932 (VCV004769932.1).
Genomic context (GRCh38, chr20:63,697,334, plus strand): 5'-ACCCTGAGCTAGGACACCAGTTCCCCTGACCCTGTTCTTCCCTCCTGGCTGCAGGCACCC[C>T]CAGCCAGAACACGCAGTGCCAGCCGTGCCCCCCAGGCACCTTCTCAGCCAGCAGCTCCAG-3'
Protein context (NP_003814.1, residues 134-154): PGAGVIAPGT[Pro144Leu]SQNTQCQPCP